The following is an entry in ClinVar:

NM_001010898.4(SLC6A17):c.374G>A (p.Arg125His)

Gene: SLC6A17 (solute carrier family 6 member 17; plus strand). Cytogenetic location: 1p13.3.
Variant type: single nucleotide variant.
Coding change: c.374G>A on transcript NM_001010898.4 (MANE Select); coding-DNA position 374, G replaced by A.
Protein change: p.Arg125His; replaces arginine 125 with histidine.
Molecular consequence: missense variant.
Genome position (GRCh38, 1-based): chr1:110,172,147, G>A. VCF-style: chr1-110172147-G-A. GRCh37 (hg19) VCF-style: chr1-110714769-G-A.
Other names: short protein forms R125H.
Identifiers: ClinVar variation 1709502 (VCV001709502.2), dbSNP rs776136026, ClinGen allele CA997890.

ClinVar aggregate classification (germline): Uncertain significance (1 of 4 stars; one submission).

Conditions:
Intellectual developmental disorder, autosomal recessive 48. Also called: Progressive essential tremor-speech impairment-facial dysmorphism-intellectual disability-abnormal behavior syndrome. Identifiers: Orphanet 457212, MedGen C4225395, MONDO:0014559, OMIM 616269.

Allele frequency attached by ClinVar (database versions not stated): gnomAD 0.00001; TOPMed 0.00001; gnomAD exomes below 0.00001; ExAC 0.00001.
gnomAD v4.1: 7 of 1,613,474 alleles (0.00043%); highest among the groups gnomAD compares: African/African-American, 0.0013%; no homozygotes.

Submission:

MGZ Medical Genetics Center
Classification: Uncertain significance for Intellectual developmental disorder, autosomal recessive 48. Last evaluated: 2022-08-30. Review status: criteria provided, single submitter. Criteria: ACMG Guidelines, 2015. Collection method: clinical testing. Allele origin: germline. Affected: yes. Observed: 1 variant allele.
Comment: ACMG criteria applied: PM2_SUP, PP3